The following is an entry in ClinVar:

NM_001197104.2(KMT2A):c.2584C>T (p.Arg862Ter)

Gene: KMT2A (lysine methyltransferase 2A; plus strand). Cytogenetic location: 11q23.3.
Variant type: single nucleotide variant.
Coding change: c.2584C>T on transcript NM_001197104.2 (MANE Select); coding-DNA position 2584, C replaced by T.
Protein change: p.Arg862Ter; replaces arginine 862 with a stop codon.
Molecular consequence: nonsense.
Genome position (GRCh38, 1-based): chr11:118,473,743, C>T. VCF-style: chr11-118473743-C-T. GRCh37 (hg19) VCF-style: chr11-118344458-C-T.
Other names: c.2683C>T, p.Arg895Ter (NM_001412597.1); c.2584C>T, p.Arg862Ter (NM_005933.4); short protein forms R862*, R895*.
Identifiers: ClinVar variation 2745655 (VCV002745655.4), dbSNP rs2496812832, ClinGen allele CA382816313.

ClinVar aggregate classification (germline): Pathogenic/Likely pathogenic. Review status: criteria provided, multiple submitters, no conflicts (2 of 4 stars). 2 submissions from 2 submitters: Pathogenic (1); Likely pathogenic (1). Last evaluated 2023-07-29.

Conditions:
Wiedemann-Steiner syndrome (WDSTS). Also called: Growth deficiency and mental retardation with facial dysmorphism. Identifiers: Orphanet 319182, MedGen C1854630, MONDO:0011518, OMIM 605130.

Submissions (2):

Labcorp Genetics (formerly Invitae), Labcorp
Classification: Pathogenic. Last evaluated: 2023-07-29. Review status: criteria provided, single submitter. Criteria: Invitae Variant Classification Sherloc (09022015). Collection method: clinical testing. Allele origin: germline.
Comment: For these reasons, this variant has been classified as Pathogenic. This variant has not been reported in the literature in individuals affected with KMT2A-related conditions. This variant is not present in population databases (gnomAD no frequency). This sequence change creates a premature translational stop signal (p.Arg862*) in the KMT2A gene. It is expected to result in an absent or disrupted protein product. Loss-of-function variants in KMT2A are known to be pathogenic (PMID: 22795537, 25810209, 29574747).

3billion
Classification: Likely pathogenic for Wiedemann-Steiner syndrome. Last evaluated: 2023-06-19. Review status: criteria provided, single submitter. Criteria: ACMG Guidelines, 2015. Collection method: clinical testing. Allele origin: germline. Affected: yes.
Comment: The variant is not observed in the gnomAD v2.1.1 dataset. Predicted Consequence/Location: Stop-gained (nonsense): predicted to result in a loss or disruption of normal protein function through nonsense-mediated decay (NMD) or protein truncation. Multiple pathogenic variants are reported downstream of the variant. Therefore, this variant is classified as Likely pathogenic according to the recommendation of ACMG/AMP guideline.

Literature cited by the submitters: PubMed 22795537 (cited by Labcorp Genetics (formerly Invitae), Labcorp); PubMed 25810209 (cited by Labcorp Genetics (formerly Invitae), Labcorp); PubMed 29574747 (cited by Labcorp Genetics (formerly Invitae), Labcorp).